The following is an entry in ClinVar:

ClinVar aggregate classification (germline): Uncertain significance (1 of 4 stars; one submission).

Conditions:
Primary ciliary dyskinesia 28. Also called: CILIARY DYSKINESIA, PRIMARY, 28, WITH OR WITHOUT SITUS INVERSUS. Identifiers: Orphanet 244, MedGen C3809706, MONDO:0014216, OMIM 615505.

gnomAD v4.1: 1 of 1,593,636 alleles (0.000063%); highest among the groups gnomAD compares: Non-Finnish European, 0.000086%; no homozygotes.

Submission:

Labcorp Genetics (formerly Invitae), Labcorp
Classification: Uncertain significance for Primary ciliary dyskinesia 28. Last evaluated: 2024-04-01. Review status: criteria provided, single submitter. Criteria: Invitae Variant Classification Sherloc (09022015). Collection method: clinical testing. Allele origin: germline.
Comment: This sequence change replaces asparagine, which is neutral and polar, with histidine, which is basic and polar, at codon 739 of the SPAG1 protein (p.Asn739His). This variant is not present in population databases (gnomAD no frequency). This variant has not been reported in the literature in individuals affected with SPAG1-related conditions. Advanced modeling of protein sequence and biophysical properties (such as structural, functional, and spatial information, amino acid conservation, physicochemical variation, residue mobility, and thermodynamic stability) performed at Invitae indicates that this missense variant is not expected to disrupt SPAG1 protein function with a negative predictive value of 80%. In summary, the available evidence is currently insufficient to determine the role of this variant in disease. Therefore, it has been classified as a Variant of Uncertain Significance.

NM_003114.5(SPAG1):c.2215A>C (p.Asn739His)

Gene: SPAG1 (sperm associated antigen 1; plus strand). Cytogenetic location: 8q22.2.
Variant type: single nucleotide variant.
Coding change: c.2215A>C on transcript NM_003114.5 (MANE Select); coding-DNA position 2215, A replaced by C.
Protein change: p.Asn739His; replaces asparagine 739 with histidine.
Molecular consequence: missense variant.
Genome position (GRCh38, 1-based): chr8:100,239,339, A>C. VCF-style: chr8-100239339-A-C. GRCh37 (hg19) VCF-style: chr8-101251567-A-C.
Other names: c.2215A>C, p.Asn739His (NM_001374321.1, NM_172218.3); short protein forms N739H.
Identifiers: ClinVar variation 3609028 (VCV003609028.2).